The following is an entry in ClinVar:

NM_000051.4(ATM):c.814A>C (p.Asn272His)

Gene: ATM (ATM serine/threonine kinase; plus strand). Cytogenetic location: 11q22.3.
Variant type: single nucleotide variant.
Coding change: c.814A>C on transcript NM_000051.4 (MANE Select); coding-DNA position 814, A replaced by C.
Protein change: p.Asn272His; replaces asparagine 272 with histidine.
Molecular consequence: missense variant.
Genome position (GRCh38, 1-based): chr11:108,244,939, A>C. VCF-style: chr11-108244939-A-C. GRCh37 (hg19) VCF-style: chr11-108115666-A-C.
Other names: c.814A>C, p.Asn272His (NM_001351834.2); short protein forms N272H.
Identifiers: ClinVar variation 630666 (VCV000630666.12), dbSNP rs1565371810, ClinGen allele CA382529401.

ClinVar aggregate classification (germline): Uncertain significance. Review status: criteria provided, multiple submitters, no conflicts (2 of 4 stars). 3 submissions from 3 submitters: Uncertain significance (3). Last evaluated 2025-03-26.

Conditions:
Hereditary cancer-predisposing syndrome. Also called: Hereditary Cancer Syndrome; Neoplastic Syndromes, Hereditary; Tumor predisposition; Hereditary neoplastic syndrome. Identifiers: Orphanet 140162, MedGen C0027672, MeSH D009386, MONDO:0015356.
Ataxia-telangiectasia syndrome (AT). Also called: Ataxia-telangiectasia, complementation group D; AT, COMPLEMENTATION GROUP C; Ataxia-telangiectasia; ATAXIA-TELANGIECTASIA, COMPLEMENTATION GROUP A; ATAXIA-TELANGIECTASIA, FRESNO VARIANT; LOUIS-BAR SYNDROME. Identifiers: Orphanet 100, MedGen C0004135, MONDO:0008840, OMIM 208900.

Submissions (3):

Ambry Genetics
Classification: Uncertain significance for Hereditary cancer-predisposing syndrome. Last evaluated: 2025-03-26. Review status: criteria provided, single submitter. Criteria: Ambry Variant Classification Scheme 2023. Collection method: clinical testing. Allele origin: germline.
Comment: The p.N272H variant (also known as c.814A>C), located in coding exon 6 of the ATM gene, results from an A to C substitution at nucleotide position 814. The asparagine at codon 272 is replaced by histidine, an amino acid with similar properties. This amino acid position is not well conserved in available vertebrate species. In addition, this alteration is predicted to be tolerated by in silico analysis. Based on the available evidence, the clinical significance of this variant remains unclear.

Labcorp Genetics (formerly Invitae), Labcorp
Classification: Uncertain significance for Ataxia-telangiectasia syndrome. Last evaluated: 2023-01-22. Review status: criteria provided, single submitter. Criteria: Invitae Variant Classification Sherloc (09022015). Collection method: clinical testing. Allele origin: germline.
Comment: In summary, the available evidence is currently insufficient to determine the role of this variant in disease. Therefore, it has been classified as a Variant of Uncertain Significance. Algorithms developed to predict the effect of missense changes on protein structure and function are either unavailable or do not agree on the potential impact of this missense change (SIFT: "Tolerated"; PolyPhen-2: "Possibly Damaging"; Align-GVGD: "Class C0"). ClinVar contains an entry for this variant (Variation ID: 630666). This variant has not been reported in the literature in individuals affected with ATM-related conditions. This variant is not present in population databases (gnomAD no frequency). This sequence change replaces asparagine, which is neutral and polar, with histidine, which is basic and polar, at codon 272 of the ATM protein (p.Asn272His).

Color Diagnostics, LLC DBA Color Health
Classification: Uncertain significance for Hereditary cancer-predisposing syndrome. Last evaluated: 2019-04-09. Review status: criteria provided, single submitter. Criteria: ACMG Guidelines, 2015. Collection method: clinical testing. Allele origin: germline.